The following is an entry in ClinVar:

ClinVar aggregate classification (germline): Uncertain significance (1 of 4 stars; one submission).

Conditions:
Inborn genetic diseases. Identifiers: MedGen C0950123, MeSH D030342.

gnomAD v4.1: 2 of 1,612,534 alleles (0.00012%); highest among the groups gnomAD compares: African/African-American, 0.0027%; no homozygotes.

Submission:

Ambry Genetics
Classification: Uncertain significance for Inborn genetic diseases. Last evaluated: 2025-05-29. Review status: criteria provided, single submitter. Criteria: Ambry Variant Classification Scheme 2023. Collection method: clinical testing. Allele origin: germline.
Comment: The p.L199P variant (also known as c.596T>C), located in coding exon 5 of the CEP57 gene, results from a T to C substitution at nucleotide position 596. The leucine at codon 199 is replaced by proline, an amino acid with similar properties. This amino acid position is conserved. In addition, this alteration is predicted to be deleterious by in silico analysis. Based on the available evidence, the clinical significance of this variant remains unclear.

NM_014679.5(CEP57):c.596T>C (p.Leu199Pro)

Gene: CEP57 (centrosomal protein 57; plus strand). Cytogenetic location: 11q21.
Variant type: single nucleotide variant.
Coding change: c.596T>C on transcript NM_014679.5 (MANE Select); coding-DNA position 596, T replaced by C.
Protein change: p.Leu199Pro; replaces leucine 199 with proline.
Molecular consequence: missense variant.
Genome position (GRCh38, 1-based): chr11:95,817,878, T>C. VCF-style: chr11-95817878-T-C. GRCh37 (hg19) VCF-style: chr11-95551042-T-C.
Other names: c.569T>C, p.Leu190Pro (NM_001243776.2); c.596T>C, p.Leu199Pro (NM_001243777.2); c.515T>C, p.Leu172Pro (NM_001363604.2); short protein forms L199P, L172P, L190P.
Identifiers: ClinVar variation 4001067 (VCV004001067.1).
Genomic context (GRCh38, chr11:95,817,878, plus strand): 5'-AAACACATGTTCAGAGCCAACTTGAAAAATTGGATCTTCTTGAACAGGAGTATAACAAAC[T>C]TACCACAATGCAGGCCCTTGCAGAAGTCAGTGCATGTGTCTTTTTATTGTTAACATATAT-3'
Protein context (NP_055494.2, residues 189-209): LDLLEQEYNK[Leu199Pro]TTMQALAEKK